The following is an entry in ClinVar:

ClinVar aggregate classification (germline): Uncertain significance (1 of 4 stars; one submission).

Conditions:
Hereditary cancer-predisposing syndrome. Also called: Hereditary Cancer Syndrome; Hereditary neoplastic syndrome; Neoplastic Syndromes, Hereditary; Tumor predisposition. Identifiers: Orphanet 140162, MedGen C0027672, MeSH D009386, MONDO:0015356.

Submission:

Ambry Genetics
Classification: Uncertain significance for Hereditary cancer-predisposing syndrome. Last evaluated: 2022-08-09. Review status: criteria provided, single submitter. Criteria: Ambry Variant Classification Scheme 2023. Collection method: clinical testing. Allele origin: germline.
Comment: The c.58_63dupGCGGCC variant (also known as p.A20_A21dup), located in coding exon 1 of the CDKN2A gene, results from an in-frame duplication of GCGGCC at nucleotide positions 58 to 63. This results in the duplication of 2 extra residues (AA) between codons 20 and 21. This amino acid region is well conserved in available vertebrate species. This alteration may be disruptive to the the ankyrin repeat domain of CDKN2A (Ambry internal data). In addition, this alteration is predicted to be deleterious by in silico analysis (Choi Y et al. PLoS ONE. 2012; 7(10):e46688). Since supporting evidence is limited at this time, the clinical significance of this alteration remains unclear.

NM_000077.5(CDKN2A):c.58_63dup (p.Ala21_Arg22insAlaAla)

Gene: CDKN2A (cyclin dependent kinase inhibitor 2A; minus strand). Cytogenetic location: 9p21.3.
Variant type: Duplication.
Coding change: c.58_63dup on transcript NM_000077.5; coding-DNA positions 58 to 63, 6 bases duplicated (GCGGCC; older notation c.58_63dupGCGGCC).
Protein change: p.Ala21_Arg22insAlaAla.
Molecular consequence: inframe indel (on NM_000077.4). On other transcripts: inframe insertion (2), intron variant (2).
Genome position (GRCh38, 1-based): chr9:21,974,765-21,974,770, GGCCGC duplicated on the plus strand (GCGGCC on the coding strand, the reverse complement: CDKN2A is on the minus strand); duplicating any 6 consecutive bases within chr9:21,974,765-21,974,775 gives the same sequence; the c. name uses the placement nearest the transcript's 3' end. VCF-style (leftmost placement, unchanged base first): chr9-21974764-G-GGGCCGC. GRCh37 (hg19) VCF-style: chr9-21974763-G-GGGCCGC.
Other names: c.58_63dupGCGGCC (NM_000077.4); c.53_58dup, p.Ala21_Arg22insAlaAla (NM_000077.6); c.58_63dup, p.Ala21_Arg22insAlaAla (NM_001195132.2, NM_058197.5); c.-3-3562_-3-3557dup (NM_001363763.2); c.194-3562_194-3557dup (NM_058195.4).
Identifiers: ClinVar variation 1749776 (VCV001749776.2), dbSNP rs2489291774, ClinGen allele CA2580080351.